The following is an entry in ClinVar:

ClinVar aggregate classification (germline): Likely benign. Review status: criteria provided, multiple submitters, no conflicts (2 of 4 stars). 2 submissions from 2 submitters: Likely benign (2). Last evaluated 2023-12-06.

Conditions:
Charcot-Marie-Tooth disease type 4. Also called: Charcot-Marie-Tooth disease, type IV; Charcot-Marie-Tooth, Type 4. Identifiers: Orphanet 64749, MedGen C4082197, MONDO:0018995.

Allele frequency attached by ClinVar (database versions not stated): gnomAD exomes 0.00001 and 0.00002; TOPMed 0.00001; ExAC 0.00002; gnomAD 0.00003 and 0.00004.
gnomAD v4.1: 13 of 1,613,742 alleles (0.00081%); highest among the groups gnomAD compares: African/African-American, 0.0093%; no homozygotes.

Submissions (2):

Labcorp Genetics (formerly Invitae), Labcorp
Classification: Likely benign for Charcot-Marie-Tooth disease type 4. Last evaluated: 2023-12-06. Review status: criteria provided, single submitter. Criteria: Invitae Variant Classification Sherloc (09022015). Collection method: clinical testing. Allele origin: germline.

GeneDx
Classification: Likely benign. Last evaluated: 2018-04-30. Review status: criteria provided, single submitter. Criteria: GeneDx Variant Classification (06012015). Collection method: clinical testing. Allele origin: germline. Affected: yes.
Comment: This variant is considered likely benign or benign based on one or more of the following criteria: it is a conservative change, it occurs at a poorly conserved position in the protein, it is predicted to be benign by multiple in silico algorithms, and/or has population frequency not consistent with disease.

NM_030962.4(SBF2):c.3087G>A (p.Gln1029=)

Genes: SBF2 (SET binding factor 2; minus strand), LOC101928008 (uncharacterized LOC101928008; plus strand). Cytogenetic location: 11p15.4.
Variant type: single nucleotide variant.
Coding change: c.3087G>A on transcript NM_030962.4 (MANE Select); coding-DNA position 3087, G replaced by A.
Protein change: p.Gln1029=; no amino-acid change (glutamine 1029 retained).
Molecular consequence: synonymous variant.
Genome position (GRCh38, 1-based): chr11:9,845,588, C>T on the plus strand (G>A on the coding strand, the complement: SBF2 is on the minus strand). VCF-style: chr11-9845588-C-T. GRCh37 (hg19) VCF-style: chr11-9867135-C-T.
Other names: c.3087G>A, p.Gln1029= (NM_001386339.1); c.2958G>A, p.Gln986= (NM_001386342.1).
Identifiers: ClinVar variation 682408 (VCV000682408.4), dbSNP rs775337881, ClinGen allele CA5881385.